The following is an entry in ClinVar:

NM_001389.5(DSCAM):c.3260-9T>C

Gene: DSCAM (DS cell adhesion molecule; minus strand). Cytogenetic location: 21q22.2.
Variant type: single nucleotide variant.
Coding change: c.3260-9T>C on transcript NM_001389.5 (MANE Select); 9 bases into the intron before coding-DNA position 3260, T replaced by C.
Molecular consequence: intron variant.
Genome position (GRCh38, 1-based): chr21:40,142,713, A>G on the plus strand (T>C on the coding strand, the complement: DSCAM is on the minus strand). VCF-style: chr21-40142713-A-G. GRCh37 (hg19) VCF-style: chr21-41514640-A-G.
Other names: c.3260-9T>C (NM_001271534.3).
Identifiers: ClinVar variation 3051224 (VCV003051224.2), dbSNP rs371866458, ClinGen allele CA10030987.
Genomic context (GRCh38, chr21:40,142,713, plus strand): 5'-CTTTCTGGTGATGTTGCTATGGCTTGGACATTTTCGGGGGGGTAACTGGGCACTGAAATC[A>G]AATAATTAGAATCTGTAATAACTGTGGGTGGTTTATGAGCAAAGCAATAACCGAAAAAGC-3'

ClinVar aggregate classification (germline): Likely benign (0 of 4 stars; one submission).

Conditions:
DSCAM-related disorder. Also called: DSCAM-related condition.

Allele frequency attached by ClinVar (database versions not stated): gnomAD exomes below 0.00001; ExAC 0.00003; gnomAD 0.00005; TOPMed 0.00005; ESP Exome Variant Server 0.00025.
gnomAD v4.1: 11 of 1,613,064 alleles (0.00068%); highest among the groups gnomAD compares: African/African-American, 0.012%; no homozygotes.

Submission:

PreventionGenetics, part of Exact Sciences
Classification: Likely benign for DSCAM-related condition. Last evaluated: 2023-06-20. Review status: no assertion criteria provided. Collection method: clinical testing. Allele origin: germline.
Comment: This variant is classified as likely benign based on ACMG/AMP sequence variant interpretation guidelines (Richards et al. 2015 PMID: 25741868, with internal and published modifications).